The following is an entry in ClinVar:

ClinVar aggregate classification (germline): Uncertain significance (1 of 4 stars; one submission).

Conditions:
Gnathodiaphyseal dysplasia (GDD). Also called: GNATHODIAPHYSEAL SCLEROSIS; OSTEOGENESIS IMPERFECTA WITH UNUSUAL SKELETAL LESIONS. Identifiers: Orphanet 53697, MedGen C1833736, MONDO:0008151, OMIM 166260.
Autosomal recessive limb-girdle muscular dystrophy type 2L (LGMDR12). Also called: MUSCULAR DYSTROPHY, LIMB-GIRDLE, AUTOSOMAL RECESSIVE 12; Limb-girdle muscular dystrophy, type 2L; Limb-Girdle Muscular Dystrophy R12 Anoctamin-5-Related (LGMD-R12). Identifiers: Orphanet 206549, MedGen C1969785, MONDO:0012652, OMIM 611307.

Submission:

Labcorp Genetics (formerly Invitae), Labcorp
Classification: Uncertain significance for Autosomal recessive limb-girdle muscular dystrophy type 2L; Gnathodiaphyseal dysplasia. Last evaluated: 2023-09-17. Review status: criteria provided, single submitter. Criteria: Invitae Variant Classification Sherloc (09022015). Collection method: clinical testing. Allele origin: germline.
Comment: In summary, the available evidence is currently insufficient to determine the role of this variant in disease. Therefore, it has been classified as a Variant of Uncertain Significance. Algorithms developed to predict the effect of missense changes on protein structure and function output the following: SIFT: "Not Available"; PolyPhen-2: "Benign"; Align-GVGD: "Not Available". The isoleucine amino acid residue is found in multiple mammalian species, which suggests that this missense change does not adversely affect protein function. This variant has not been reported in the literature in individuals affected with ANO5-related conditions. This variant is not present in population databases (gnomAD no frequency). This sequence change replaces threonine, which is neutral and polar, with isoleucine, which is neutral and non-polar, at codon 912 of the ANO5 protein (p.Thr912Ile).

NM_213599.3(ANO5):c.2735C>T (p.Thr912Ile)

Gene: ANO5 (anoctamin 5; plus strand). Cytogenetic location: 11p14.3.
Variant type: single nucleotide variant.
Coding change: c.2735C>T on transcript NM_213599.3 (MANE Select); coding-DNA position 2735, C replaced by T.
Protein change: p.Thr912Ile; replaces threonine 912 with isoleucine.
Molecular consequence: missense variant.
Genome position (GRCh38, 1-based): chr11:22,279,758, C>T. VCF-style: chr11-22279758-C-T. GRCh37 (hg19) VCF-style: chr11-22301304-C-T.
Other names: c.2732C>T, p.Thr911Ile (NM_001142649.2); c.2693C>T, p.Thr898Ile (NM_001410963.1); c.2690C>T, p.Thr897Ile (NM_001410964.1); short protein forms T912I, T911I, T897I, T898I.
Identifiers: ClinVar variation 2951978 (VCV002951978.3), dbSNP rs2494413858, ClinGen allele CA379925571.